The following is an entry in ClinVar:

NM_000031.6(ALAD):c.692G>A (p.Arg231Gln)

Gene: ALAD (aminolevulinate dehydratase; minus strand). Cytogenetic location: 9q32.
Variant type: single nucleotide variant.
Coding change: c.692G>A on transcript NM_000031.6 (MANE Select); coding-DNA position 692, G replaced by A.
Protein change: p.Arg231Gln; replaces arginine 231 with glutamine.
Molecular consequence: missense variant.
Genome position (GRCh38, 1-based): chr9:113,389,621, C>T on the plus strand (G>A on the coding strand, the complement: ALAD is on the minus strand). VCF-style: chr9-113389621-C-T. GRCh37 (hg19) VCF-style: chr9-116151901-C-T.
Other names: c.779G>A, p.Arg260Gln (NM_001003945.3); c.668G>A, p.Arg223Gln (NM_001317745.2); short protein forms R223Q, R231Q, R260Q.
Identifiers: ClinVar variation 915072 (VCV000915072.4), dbSNP rs201420740, ClinGen allele CA5196401.

ClinVar aggregate classification (germline): Likely benign (1 of 4 stars; one submission).

Conditions:
Porphobilinogen synthase deficiency. Also called: ALAD DEFICIENCY; DELTA-AMINOLEVULINATE DEHYDRATASE DEFICIENCY; DOSS PORPHYRIA; PORPHYRIA, ALAD; Porphyria due to ALA dehydratase deficiency. Identifiers: Orphanet 100924, MedGen C0268328, MONDO:0013000, OMIM 612740.

Allele frequency attached by ClinVar (database versions not stated): gnomAD 0.00004 and 0.00005; TOPMed 0.00004; 1000 Genomes Project 30x 0.00016; 1000 Genomes Project 0.00020.

Submission:

Illumina Laboratory Services, Illumina
Classification: Likely benign for Porphobilinogen synthase deficiency. Last evaluated: 2017-04-27. Review status: criteria provided, single submitter. Criteria: ICSL Variant Classification Criteria 13 December 2019. Collection method: clinical testing. Allele origin: germline.
Comment: This variant was observed as part of a predisposition screen in an ostensibly healthy population. A literature search was performed for the gene, cDNA change, and amino acid change (where applicable). No publications were found based on this search. Allele frequency data from public databases allowed determination this variant is unlikely to cause disease. Therefore, this variant is classified as likely benign.